The following is an entry in ClinVar:

NM_000760.4(CSF3R):c.274C>T (p.Leu92Phe)

Gene: CSF3R (colony stimulating factor 3 receptor; minus strand). Cytogenetic location: 1p34.3.
Variant type: single nucleotide variant.
Coding change: c.274C>T on transcript NM_000760.4 (MANE Select); coding-DNA position 274, C replaced by T.
Protein change: p.Leu92Phe; replaces leucine 92 with phenylalanine.
Molecular consequence: missense variant.
Genome position (GRCh38, 1-based): chr1:36,475,464, G>A on the plus strand (C>T on the coding strand, the complement: CSF3R is on the minus strand). VCF-style: chr1-36475464-G-A. GRCh37 (hg19) VCF-style: chr1-36941065-G-A.
Other names: c.274C>T, p.Leu92Phe (NM_156039.3, NM_172313.3); short protein forms L92F.
Identifiers: ClinVar variation 2719471 (VCV002719471.3), dbSNP rs1434762753, ClinGen allele CA339424825.

ClinVar aggregate classification (germline): Uncertain significance (1 of 4 stars; one submission).

Conditions:
Autosomal recessive severe congenital neutropenia due to CSF3R deficiency. Also called: Neutropenia, severe congenital, 7, autosomal recessive. Identifiers: Orphanet 420702, MedGen C4310764, MONDO:0014865, OMIM 617014.

Allele frequency attached by ClinVar (database versions not stated): TOPMed 0.00001.

Submission:

Labcorp Genetics (formerly Invitae), Labcorp
Classification: Uncertain significance for Autosomal recessive severe congenital neutropenia due to CSF3R deficiency. Last evaluated: 2022-11-04. Review status: criteria provided, single submitter. Criteria: Invitae Variant Classification Sherloc (09022015). Collection method: clinical testing. Allele origin: germline.
Comment: This sequence change replaces leucine, which is neutral and non-polar, with phenylalanine, which is neutral and non-polar, at codon 92 of the CSF3R protein (p.Leu92Phe). In summary, the available evidence is currently insufficient to determine the role of this variant in disease. Therefore, it has been classified as a Variant of Uncertain Significance. Advanced modeling of protein sequence and biophysical properties (such as structural, functional, and spatial information, amino acid conservation, physicochemical variation, residue mobility, and thermodynamic stability) performed at Invitae indicates that this missense variant is not expected to disrupt CSF3R protein function. This variant has not been reported in the literature in individuals affected with CSF3R-related conditions. This variant is present in population databases (no rsID available, gnomAD 0.0009%).